The following is an entry in ClinVar:

ClinVar aggregate classification (germline): Likely pathogenic (1 of 4 stars; one submission).

Conditions:
Autism spectrum disorder due to AUTS2 deficiency (MRD26). Also called: INTELLECTUAL DEVELOPMENTAL DISORDER, AUTOSOMAL DOMINANT 26. Identifiers: Orphanet 352490, MedGen C4014435, MONDO:0014361, OMIM 615834.

Submission:

Institute of Human Genetics, University of Leipzig Medical Center
Classification: Likely pathogenic for Autism spectrum disorder due to AUTS2 deficiency. Last evaluated: 2023-08-14. Review status: criteria provided, single submitter. Criteria: ACMG Guidelines, 2015. Collection method: clinical testing. Allele origin: unknown. Inheritance: Autosomal dominant inheritance. Affected: yes.
Comment: Criteria applied: PVS1,PM2_SUP

NM_015570.4(AUTS2):c.1557C>A (p.Tyr519Ter)

Gene: AUTS2 (activator of transcription and developmental regulator AUTS2; plus strand). Cytogenetic location: 7q11.22.
Variant type: single nucleotide variant.
Coding change: c.1557C>A on transcript NM_015570.4 (MANE Select); coding-DNA position 1557, C replaced by A.
Protein change: p.Tyr519Ter; replaces tyrosine 519 with a stop codon.
Molecular consequence: nonsense.
Genome position (GRCh38, 1-based): chr7:70,766,202, C>A. VCF-style: chr7-70766202-C-A. GRCh37 (hg19) VCF-style: chr7-70231188-C-A.
Other names: c.1557C>A, p.Tyr519Ter (NM_001127231.3); short protein forms Y519*.
Identifiers: ClinVar variation 2578436 (VCV002578436.2), dbSNP rs773162178, ClinGen allele CA367668827.